The following is an entry in ClinVar:

NM_139281.3(WDR36):c.1659A>G (p.Ile553Met)

Gene: WDR36 (WD repeat domain 36; plus strand). Cytogenetic location: 5q22.1.
Variant type: single nucleotide variant.
Coding change: c.1659A>G on transcript NM_139281.3 (MANE Select); coding-DNA position 1659, A replaced by G.
Protein change: p.Ile553Met; replaces isoleucine 553 with methionine.
Molecular consequence: missense variant.
Genome position (GRCh38, 1-based): chr5:111,111,221, A>G. VCF-style: chr5-111111221-A-G. GRCh37 (hg19) VCF-style: chr5-110446920-A-G.
Other names: short protein forms I553M.
Identifiers: ClinVar variation 3469368 (VCV003469368.2).

ClinVar aggregate classification (germline): Uncertain significance. Review status: criteria provided, multiple submitters, no conflicts (2 of 4 stars). 2 submissions from 2 submitters: Uncertain significance (2). Last evaluated 2025-12-25.

gnomAD v4.1: 84 of 1,611,786 alleles (0.0052%); highest among the groups gnomAD compares: African/African-American, 0.11%; no homozygotes.

Submissions (2):

Labcorp Genetics (formerly Invitae), Labcorp
Classification: Uncertain significance. Last evaluated: 2025-12-25. Review status: criteria provided, single submitter. Criteria: Invitae Variant Classification Sherloc (09022015). Collection method: clinical testing. Allele origin: germline.
Comment: This sequence change replaces isoleucine, which is neutral and non-polar, with methionine, which is neutral and non-polar, at codon 609 of the WDR36 protein (p.Ile609Met). This variant is present in population databases (rs139845554, gnomAD 0.1%), and has an allele count higher than expected for a pathogenic variant. This variant has not been reported in the literature in individuals affected with WDR36-related conditions. ClinVar contains an entry for this variant (Variation ID: 3469368). Invitae Evidence Modeling of protein sequence and biophysical properties (such as structural, functional, and spatial information, amino acid conservation, physicochemical variation, residue mobility, and thermodynamic stability) indicates that this missense variant is not expected to disrupt WDR36 protein function with a negative predictive value of 80%. In summary, the available evidence is currently insufficient to determine the role of this variant in disease. Therefore, it has been classified as a Variant of Uncertain Significance.

Ambry Genetics
Classification: Uncertain significance. Last evaluated: 2024-10-29. Review status: criteria provided, single submitter. Criteria: Ambry Variant Classification Scheme 2023. Collection method: clinical testing. Allele origin: germline.